The following is an entry in ClinVar:

ClinVar aggregate classification (germline): Uncertain significance (1 of 4 stars; one submission).

Conditions:
Dyskeratosis congenita, autosomal dominant 1 (DKCA1). Also called: Dyskeratosis congenita Scoggins type. Identifiers: Orphanet 1775, MedGen C4551974, MONDO:0007485, OMIM 127550. Inheritance: Variable.

Allele frequency attached by ClinVar (database versions not stated): gnomAD exomes below 0.00001; ExAC 0.00001.
gnomAD v4.1: 1 of 750,426 alleles (0.00013%); highest among the groups gnomAD compares: South Asian, 0.0014%; no homozygotes.

Submission:

Labcorp Genetics (formerly Invitae), Labcorp
Classification: Uncertain significance for Dyskeratosis congenita, autosomal dominant 1. Last evaluated: 2025-02-03. Review status: criteria provided, single submitter. Criteria: Invitae Variant Classification Sherloc (09022015). Collection method: clinical testing. Allele origin: germline.
Comment: This variant occurs in the TERC gene, which encodes an RNA molecule that does not result in a protein product. The frequency data for this variant in the population databases is considered unreliable, as metrics indicate poor data quality at this position in the gnomAD database. This variant has not been reported in the literature in individuals affected with TERC-related conditions. ClinVar contains an entry for this variant (Variation ID: 1498783). This variant is located within the BoxH/ACA scaRNA domain of the TERC RNA component, which is required for telomerase activity (PMID: 21844345). In summary, the available evidence is currently insufficient to determine the role of this variant in disease. Therefore, it has been classified as a Variant of Uncertain Significance.

Literature cited by the submitters: PubMed 21844345.

NC_000003.12:g.169764660G>A

Gene: TERC (telomerase RNA component; minus strand). Cytogenetic location: 3q26.2.
Variant type: single nucleotide variant.
Genome position: GRCh38 VCF-style: chr3-169764660-G-A. GRCh37 (hg19) VCF-style: chr3-169482448-G-A.
Identifiers: ClinVar variation 1498783 (VCV001498783.8), dbSNP rs759566601, ClinGen allele CA2696788.